The following is an entry in ClinVar:

ClinVar aggregate classification (germline): Likely benign. Review status: criteria provided, single submitter (1 of 4 stars). 2 submissions from 2 submitters: Likely benign (1). 1 of the submissions does not count toward it. Last evaluated 2025-07-31.

Conditions:
SLC27A5-related disorder. Also called: SLC27A5-related condition.

Allele frequency attached by ClinVar (database versions not stated): gnomAD exomes 0.00003; TOPMed 0.00011.
gnomAD v4.1: 48 of 1,554,356 alleles (0.0031%); highest among the groups gnomAD compares: Admixed American, 0.012%; no homozygotes.

Submissions (2):

Labcorp Genetics (formerly Invitae), Labcorp
Classification: Likely benign. Last evaluated: 2025-07-31. Review status: criteria provided, single submitter. Criteria: Invitae Variant Classification Sherloc (09022015). Collection method: clinical testing. Allele origin: germline.

PreventionGenetics, part of Exact Sciences
Classification: Likely benign for SLC27A5-related condition. Last evaluated: 2021-03-09. Review status: no assertion criteria provided. Collection method: clinical testing. Allele origin: germline. Not counted in ClinVar's aggregate classification.
Comment: This variant is classified as likely benign based on ACMG/AMP sequence variant interpretation guidelines (Richards et al. 2015 PMID: 25741868, with internal and published modifications).

NM_012254.3(SLC27A5):c.168C>T (p.Leu56=)

Gene: SLC27A5 (solute carrier family 27 member 5; minus strand). Cytogenetic location: 19q13.43.
Variant type: single nucleotide variant.
Coding change: c.168C>T on transcript NM_012254.3 (MANE Select); coding-DNA position 168, C replaced by T.
Protein change: p.Leu56=; no amino-acid change (leucine 56 retained).
Molecular consequence: synonymous variant.
Genome position (GRCh38, 1-based): chr19:58,511,788, G>A on the plus strand (C>T on the coding strand, the complement: SLC27A5 is on the minus strand). VCF-style: chr19-58511788-G-A. GRCh37 (hg19) VCF-style: chr19-59023155-G-A.
Other names: c.168C>T, p.Leu56= (NM_001321196.2).
Identifiers: ClinVar variation 3055022 (VCV003055022.3), dbSNP rs1007512575, ClinGen allele CA310609204.